The following is an entry in ClinVar:

NM_031924.8(RSPH3):c.907A>G (p.Thr303Ala)

Gene: RSPH3 (radial spoke head 3; minus strand). Cytogenetic location: 6q25.3.
Variant type: single nucleotide variant.
Coding change: c.907A>G on transcript NM_031924.8 (MANE Select); coding-DNA position 907, A replaced by G.
Protein change: p.Thr303Ala; replaces threonine 303 with alanine.
Molecular consequence: missense variant. On other transcripts: non-coding transcript variant (1).
Genome position (GRCh38, 1-based): chr6:158,978,299, T>C on the plus strand (A>G on the coding strand, the complement: RSPH3 is on the minus strand). VCF-style: chr6-158978299-T-C. GRCh37 (hg19) VCF-style: chr6-159399331-T-C.
Other names: c.1045A>G, p.Thr349Ala (NM_001346418.1); short protein forms T303A, T349A.
Identifiers: ClinVar variation 4720533 (VCV004720533.1).

ClinVar aggregate classification (germline): Uncertain significance (1 of 4 stars; one submission).

Conditions:
Primary ciliary dyskinesia 32. Also called: CILIARY DYSKINESIA, PRIMARY, 32, WITHOUT SITUS INVERSUS. Identifiers: Orphanet 244, MedGen C4225311, MONDO:0014657, OMIM 616481.

gnomAD v4.1: 3 of 1,583,022 alleles (0.00019%); highest among the groups gnomAD compares: Non-Finnish European, 0.00026%; no homozygotes.

Submission:

Labcorp Genetics (formerly Invitae), Labcorp
Classification: Uncertain significance for Primary ciliary dyskinesia 32. Last evaluated: 2025-11-11. Review status: criteria provided, single submitter. Criteria: Invitae Variant Classification Sherloc (09022015). Collection method: clinical testing. Allele origin: germline.
Comment: This sequence change replaces threonine, which is neutral and polar, with alanine, which is neutral and non-polar, at codon 445 of the RSPH3 protein (p.Thr445Ala). This variant is not present in population databases (gnomAD no frequency). This variant has not been reported in the literature in individuals affected with RSPH3-related conditions. An algorithm developed to predict the effect of missense changes on protein structure and function outputs the following: PolyPhen-2: "Benign". The alanine amino acid residue is found in multiple mammalian species, which suggests that this missense change does not adversely affect protein function. In summary, the available evidence is currently insufficient to determine the role of this variant in disease. Therefore, it has been classified as a Variant of Uncertain Significance.